The following is an entry in ClinVar:

NM_004656.4(BAP1):c.846dup (p.Glu283Ter)

Gene: BAP1 (BRCA1 associated deubiquitinase 1; minus strand). Cytogenetic location: 3p21.1.
Variant type: Duplication.
Coding change: c.846dup on transcript NM_004656.4 (MANE Select); coding-DNA position 846, one base duplicated (T; older notation c.846dupT).
Protein change: p.Glu283Ter; replaces glutamic acid 283 with a stop codon.
Molecular consequence: nonsense.
Genome position (GRCh38, 1-based): chr3:52,405,850, A duplicated on the plus strand (T on the coding strand, the reverse complement: BAP1 is on the minus strand). VCF-style (leftmost placement, unchanged base first): chr3-52405849-C-CA. GRCh37 (hg19) VCF-style: chr3-52439865-C-CA.
Other names: c.792dup, p.Glu265Ter (NM_001410772.1); short protein forms E265*, E283*.
Identifiers: ClinVar variation 3254372 (VCV003254372.1), dbSNP rs2471340929.

ClinVar aggregate classification (germline): Pathogenic (1 of 4 stars; one submission).

Conditions:
BAP1-related tumor predisposition syndrome (TPDS1). Also called: BAP1 tumor predisposition syndrome; COMMON Syndrome; TUMOR PREDISPOSITION SYNDROME 1; Tumor susceptibility linked to germline BAP1 mutations. Identifiers: Orphanet 289539, MedGen C3280492, MONDO:0013692, OMIM 614327.

Submission:

Myriad Genetics, Inc.
Classification: Pathogenic for BAP1-related tumor predisposition syndrome. Last evaluated: 2024-04-17. Review status: criteria provided, single submitter. Criteria: Myriad Autosomal Dominant, Autosomal Recessive and X-Linked Classification Criteria (2023). Collection method: clinical testing. Allele origin: unknown.
Comment: This variant is considered pathogenic. This variant creates a termination codon and is predicted to result in premature protein truncation.